The following is an entry in ClinVar:

ClinVar aggregate classification (germline): Likely benign (1 of 4 stars; one submission).

Conditions:
Inflammatory bowel disease 28. Also called: Inflammatory bowel disease 28, early onset, autosomal recessive. Identifiers: Orphanet 238569, MedGen C2751053, MONDO:0013153, OMIM 613148.

Allele frequency attached by ClinVar (database versions not stated): gnomAD 0.00016; TOPMed 0.00032; ExAC 0.00146.

Submission:

Illumina Laboratory Services, Illumina
Classification: Likely benign for Inflammatory bowel disease 28. Last evaluated: 2018-01-13. Review status: criteria provided, single submitter. Criteria: ICSL Variant Classification Criteria 13 December 2019. Collection method: clinical testing. Allele origin: germline.
Comment: This variant was observed in the ICSL laboratory as part of a predisposition screen in an ostensibly healthy population. It had not been previously curated by ICSL or reported in the Human Gene Mutation Database (HGMD: prior to June 1st, 2018), and was therefore a candidate for classification through an automated scoring system. Utilizing variant allele frequency, disease prevalence and penetrance estimates, and inheritance mode, an automated score was calculated to assess if this variant is too frequent to cause the disease. Based on the score and internal cut-off values, a variant classified as likely benign is not then subjected to further curation. The score for this variant resulted in a classification of likely benign for this disease.

NM_001558.4(IL10RA):c.*1352G>A

Gene: IL10RA (interleukin 10 receptor subunit alpha; plus strand). Cytogenetic location: 11q23.3.
Variant type: single nucleotide variant.
Coding change: c.*1352G>A on transcript NM_001558.4 (MANE Select); 1352 bases downstream of the stop codon, G replaced by A.
Molecular consequence: 3 prime UTR variant. On other transcripts: non-coding transcript variant (1).
Genome position (GRCh38, 1-based): chr11:118,000,993, G>A. VCF-style: chr11-118000993-G-A. GRCh37 (hg19) VCF-style: chr11-117871708-G-A.
Identifiers: ClinVar variation 302573 (VCV000302573.5), dbSNP rs570165681, ClinGen allele CA6299306.